The following is an entry in ClinVar:

ClinVar aggregate classification (germline): Uncertain significance. Review status: criteria provided, multiple submitters, no conflicts (2 of 4 stars). 2 submissions from 2 submitters: Uncertain significance (2). Last evaluated 2025-12-29.

Conditions:
IFT172-related disorder. Also called: IFT172-related disorders; IFT172-related condition.
Retinitis pigmentosa 71 (RP71). Identifiers: Orphanet 791, MedGen C4225342, MONDO:0014618, OMIM 616394.
Short-rib thoracic dysplasia 10 with or without polydactyly (SRTD10). Identifiers: Orphanet 474, MedGen C3810175, MONDO:0014284, OMIM 615630.

Allele frequency attached by ClinVar (database versions not stated): gnomAD exomes below 0.00001.
gnomAD v4.1: 5 of 1,610,434 alleles (0.00031%); highest among the groups gnomAD compares: African/African-American, 0.0013%; no homozygotes.

Submissions (2):

PreventionGenetics, part of Exact Sciences
Classification: Uncertain significance for IFT172-related condition. Last evaluated: 2025-12-29. Review status: criteria provided, single submitter. Criteria: ACMG Guidelines, 2015. Collection method: clinical testing. Allele origin: germline.
Comment: The IFT172 c.3701A>G variant is predicted to result in the amino acid substitution p.Asn1234Ser. To our knowledge, this variant has not been reported in the literature or in a large population database (gnomAD), indicating this variant is rare. At this time, the clinical significance of this variant is uncertain due to the absence of conclusive functional and genetic evidence.

Labcorp Genetics (formerly Invitae), Labcorp
Classification: Uncertain significance for Retinitis pigmentosa 71; Short-rib thoracic dysplasia 10 with or without polydactyly. Last evaluated: 2022-08-23. Review status: criteria provided, single submitter. Criteria: Invitae Variant Classification Sherloc (09022015). Collection method: clinical testing. Allele origin: germline.
Comment: In summary, the available evidence is currently insufficient to determine the role of this variant in disease. Therefore, it has been classified as a Variant of Uncertain Significance. Algorithms developed to predict the effect of sequence changes on RNA splicing suggest that this variant may create or strengthen a splice site. Algorithms developed to predict the effect of missense changes on protein structure and function output the following: SIFT: "Tolerated"; PolyPhen-2: "Benign"; Align-GVGD: "Class C0". The serine amino acid residue is found in multiple mammalian species, which suggests that this missense change does not adversely affect protein function. This variant has not been reported in the literature in individuals affected with IFT172-related conditions. This variant is not present in population databases (gnomAD no frequency). This sequence change replaces asparagine, which is neutral and polar, with serine, which is neutral and polar, at codon 1234 of the IFT172 protein (p.Asn1234Ser).

NM_015662.3(IFT172):c.3701A>G (p.Asn1234Ser)

Genes: IFT172 (intraflagellar transport 172; minus strand), LOC126806173 (BRD4-independent group 4 enhancer GRCh37_chr2:27676057-27677256; plus strand). Cytogenetic location: 2p23.3.
Variant type: single nucleotide variant.
Coding change: c.3701A>G on transcript NM_015662.3 (MANE Select); coding-DNA position 3701, A replaced by G.
Protein change: p.Asn1234Ser; replaces asparagine 1234 with serine.
Molecular consequence: missense variant.
Genome position (GRCh38, 1-based): chr2:27,453,992, T>C on the plus strand (A>G on the coding strand, the complement: IFT172 is on the minus strand). VCF-style: chr2-27453992-T-C. GRCh37 (hg19) VCF-style: chr2-27676859-T-C.
Other names: c.3701A>G (NM_015662.2); c.3635A>G, p.Asn1212Ser (NM_001410739.1); short protein forms N1234S, N1212S.
Identifiers: ClinVar variation 2197263 (VCV002197263.5), dbSNP rs1572737469, ClinGen allele CA346378138.